The following is an entry in ClinVar:

NM_001371928.1(AHDC1):c.1926G>C (p.Glu642Asp)

Gene: AHDC1 (AT-hook DNA binding motif containing 1; minus strand). Cytogenetic location: 1p36.11.
Variant type: single nucleotide variant.
Coding change: c.1926G>C on transcript NM_001371928.1 (MANE Select); coding-DNA position 1926, G replaced by C.
Protein change: p.Glu642Asp; replaces glutamic acid 642 with aspartic acid.
Molecular consequence: missense variant.
Genome position (GRCh38, 1-based): chr1:27,550,190, C>G on the plus strand (G>C on the coding strand, the complement: AHDC1 is on the minus strand). VCF-style: chr1-27550190-C-G. GRCh37 (hg19) VCF-style: chr1-27876701-C-G.
Other names: c.1926G>C, p.Glu642Asp (NM_001029882.3); short protein forms E642D.
Identifiers: ClinVar variation 1301553 (VCV001301553.5), dbSNP rs761320400, ClinGen allele CA715865.

ClinVar aggregate classification (germline): Uncertain significance. Review status: criteria provided, multiple submitters, no conflicts (2 of 4 stars). 2 submissions from 2 submitters: Uncertain significance (2). Last evaluated 2022-03-14.

Conditions:
AHDC1-related intellectual disability - obstructive sleep apnea - mild dysmorphism syndrome. Also called: Xia-Gibbs syndrome. Identifiers: Orphanet 412069, MedGen C4014419, MONDO:0014358, OMIM 615829.

Allele frequency attached by ClinVar (database versions not stated): TOPMed below 0.00001; ExAC 0.00001; gnomAD exomes 0.00001.
gnomAD v4.1: 12 of 1,612,616 alleles (0.00074%); highest among the groups gnomAD compares: African/African-American, 0.0013%; no homozygotes.

Submissions (2):

Revvity Omics, Revvity
Classification: Uncertain significance for AHDC1-related intellectual disability - obstructive sleep apnea - mild dysmorphism syndrome. Last evaluated: 2022-03-14. Review status: criteria provided, single submitter. Criteria: ACMG Guidelines, 2015. Collection method: clinical testing. Allele origin: germline.

Dubai Health Genomic Medicine Center, Dubai Health
Classification: Uncertain significance for AHDC1-related intellectual disability - obstructive sleep apnea - mild dysmorphism syndrome. Last evaluated: 2020-02-18. Review status: criteria provided, single submitter. Criteria: ACMG Guidelines, 2015. Collection method: clinical testing. Allele origin: germline. Affected: yes.
Comment: The p. Glu642Asp missense variant in AHDC1 has not been previously reported reported in affected individuals and is absent from large population studies such the Genome Aggregation Database (gnomAD) or the Greater Middle East (GME) Variome database. Conservation analysis and computational tools suggest an impact to protein function though this information is not predictive enough to confirm pathogenicity. In summary more information is needed to determine the clinical significance of this variant.